The following is an entry in ClinVar:

ClinVar aggregate classification (germline): Uncertain significance (1 of 4 stars; one submission).

Conditions:
Norman-Roberts syndrome (LIS2). Also called: Lissencephaly 2 (Norman-Roberts type). Identifiers: Orphanet 89844, MedGen C0796089, MONDO:0009760, OMIM 257320.
Familial temporal lobe epilepsy 7. Identifiers: Orphanet 101046, MedGen C4225327, MONDO:0014639, OMIM 616436.

Allele frequency attached by ClinVar (database versions not stated): gnomAD exomes below 0.00001.
gnomAD v4.1: 1 of 1,613,764 alleles (0.000062%); highest among the groups gnomAD compares: East Asian, 0.0022%; no homozygotes.

Submission:

Labcorp Genetics (formerly Invitae), Labcorp
Classification: Uncertain significance for Familial temporal lobe epilepsy 7; Norman-Roberts syndrome. Last evaluated: 2021-07-26. Review status: criteria provided, single submitter. Criteria: Invitae Variant Classification Sherloc (09022015). Collection method: clinical testing. Allele origin: germline.
Comment: This sequence change replaces glutamic acid with lysine at codon 701 of the RELN protein (p.Glu701Lys). The glutamic acid residue is highly conserved and there is a small physicochemical difference between glutamic acid and lysine. In summary, the available evidence is currently insufficient to determine the role of this variant in disease. Therefore, it has been classified as a Variant of Uncertain Significance. Algorithms developed to predict the effect of missense changes on protein structure and function are either unavailable or do not agree on the potential impact of this missense change (SIFT: "Deleterious"; PolyPhen-2: "Benign"; Align-GVGD: "Class C0"). This variant has not been reported in the literature in individuals affected with RELN-related conditions. This variant is not present in population databases (ExAC no frequency).

NM_005045.4(RELN):c.2101G>A (p.Glu701Lys)

Gene: RELN (reelin; minus strand). Cytogenetic location: 7q22.1.
Variant type: single nucleotide variant.
Coding change: c.2101G>A on transcript NM_005045.4 (MANE Select); coding-DNA position 2101, G replaced by A.
Protein change: p.Glu701Lys; replaces glutamic acid 701 with lysine.
Molecular consequence: missense variant.
Genome position (GRCh38, 1-based): chr7:103,636,437, C>T on the plus strand (G>A on the coding strand, the complement: RELN is on the minus strand). VCF-style: chr7-103636437-C-T. GRCh37 (hg19) VCF-style: chr7-103276884-C-T.
Other names: c.2101G>A, p.Glu701Lys (NM_173054.3); short protein forms E701K.
Identifiers: ClinVar variation 1383970 (VCV001383970.8), dbSNP rs2117351742, ClinGen allele CA368762205.